The following is an entry in ClinVar:

ClinVar aggregate classification (germline): Uncertain significance. Review status: criteria provided, multiple submitters, no conflicts (2 of 4 stars). 2 submissions from 2 submitters: Uncertain significance (2). Last evaluated 2024-12-18.

Conditions:
Hereditary cancer-predisposing syndrome. Also called: Neoplastic Syndromes, Hereditary; Tumor predisposition; Hereditary neoplastic syndrome; Hereditary Cancer Syndrome. Identifiers: Orphanet 140162, MedGen C0027672, MeSH D009386, MONDO:0015356.
Multiple endocrine neoplasia, type 1 (MEN1). Also called: MEA I; MEN I; WERMER SYNDROME; Endocrine adenomatosis multiple; MEN 1. Identifiers: Orphanet 652, MedGen C0025267, MeSH D018761, MONDO:0007540, OMIM 131100.

Submissions (2):

Labcorp Genetics (formerly Invitae), Labcorp
Classification: Uncertain significance for Multiple endocrine neoplasia, type 1. Last evaluated: 2024-12-18. Review status: criteria provided, single submitter. Criteria: Invitae Variant Classification Sherloc (09022015). Collection method: clinical testing. Allele origin: germline.
Comment: This sequence change replaces tyrosine, which is neutral and polar, with histidine, which is basic and polar, at codon 77 of the MEN1 protein (p.Tyr77His). This variant is not present in population databases (gnomAD no frequency). This variant has not been reported in the literature in individuals affected with MEN1-related conditions. ClinVar contains an entry for this variant (Variation ID: 1789242). Invitae Evidence Modeling of protein sequence and biophysical properties (such as structural, functional, and spatial information, amino acid conservation, physicochemical variation, residue mobility, and thermodynamic stability) has been performed for this missense variant. However, the output from this modeling did not meet the statistical confidence thresholds required to predict the impact of this variant on MEN1 protein function. In summary, the available evidence is currently insufficient to determine the role of this variant in disease. Therefore, it has been classified as a Variant of Uncertain Significance.

Ambry Genetics
Classification: Uncertain significance for Hereditary cancer-predisposing syndrome. Last evaluated: 2021-04-01. Review status: criteria provided, single submitter. Criteria: Ambry Variant Classification Scheme 2023. Collection method: clinical testing. Allele origin: germline.
Comment: The p.Y77H variant (also known as c.229T>C), located in coding exon 1 of the MEN1 gene, results from a T to C substitution at nucleotide position 229. The tyrosine at codon 77 is replaced by histidine, an amino acid with similar properties. This amino acid position is well conserved in available vertebrate species. In addition, the in silico prediction for this alteration is inconclusive. Since supporting evidence is limited at this time, the clinical significance of this alteration remains unclear.

NM_001370259.2(MEN1):c.229T>C (p.Tyr77His)

Gene: MEN1 (menin 1; minus strand). Cytogenetic location: 11q13.1.
Variant type: single nucleotide variant.
Coding change: c.229T>C on transcript NM_001370259.2 (MANE Select); coding-DNA position 229, T replaced by C.
Protein change: p.Tyr77His; replaces tyrosine 77 with histidine.
Molecular consequence: missense variant.
Genome position (GRCh38, 1-based): chr11:64,809,881, A>G on the plus strand (T>C on the coding strand, the complement: MEN1 is on the minus strand). VCF-style: chr11-64809881-A-G. GRCh37 (hg19) VCF-style: chr11-64577353-A-G.
Other names: c.229T>C, p.Tyr77His (NM_000244.4, NM_001370251.2, NM_001370260.2 and 20 more transcripts); short protein forms Y77H.
Identifiers: ClinVar variation 1789242 (VCV001789242.5), dbSNP rs2497275321, ClinGen allele CA381187604.